The following is an entry in ClinVar:

ClinVar aggregate classification (germline): Likely benign (1 of 4 stars; one submission).

Conditions:
NCOA1-related disorder. Also called: NCOA1-related condition.

gnomAD v4.1: 1 of 1,614,052 alleles (0.000062%); highest among the groups gnomAD compares: African/African-American, 0.0013%; no homozygotes.

Submission:

PreventionGenetics, part of Exact Sciences
Classification: Likely benign for NCOA1-related condition. Last evaluated: 2025-12-16. Review status: criteria provided, single submitter. Criteria: ACMG Guidelines, 2015. Collection method: clinical testing. Allele origin: germline.
Comment: This variant is classified as likely benign based on ACMG/AMP sequence variant interpretation guidelines (Richards et al. 2015 PMID: 25741868, with internal and published modifications).

NM_003743.5(NCOA1):c.2934A>G (p.Ala978=)

Gene: NCOA1 (nuclear receptor coactivator 1; plus strand). Cytogenetic location: 2p23.3.
Variant type: single nucleotide variant.
Coding change: c.2934A>G on transcript NM_003743.5 (MANE Select); coding-DNA position 2934, A replaced by G.
Protein change: p.Ala978=; no amino-acid change (alanine 978 retained).
Molecular consequence: synonymous variant.
Genome position (GRCh38, 1-based): chr2:24,729,548, A>G. VCF-style: chr2-24729548-A-G. GRCh37 (hg19) VCF-style: chr2-24952417-A-G.
Other names: c.2934A>G, p.Ala978= (NM_001362950.1, NM_001362952.1, NM_001362954.1 and 3 more transcripts).
Identifiers: ClinVar variation 4992624 (VCV004992624.1).
Genomic context (GRCh38, chr2:24,729,548, plus strand): 5'-TCTTTTCTAACAGGGGGGTGGATTAGATGTATTATCAGAGAGATTTCCACCACAACAAGC[A>G]ACGCCACCTTTGATCATGGAAGAAAGACCCAACCTTTATTCCCAGCCTTACTCTTCTCCT-3'
Protein context (NP_003734.3, residues 968-988): VLSERFPPQQ[Ala978=]TPPLIMEERP